The following is an entry in ClinVar:

ClinVar aggregate classification (germline): Uncertain significance. Review status: criteria provided, multiple submitters, no conflicts (2 of 4 stars). 3 submissions from 3 submitters: Uncertain significance (3). Last evaluated 2025-05-07.

Conditions:
Epidermolysis bullosa simplex with nail dystrophy (EBS5D). Identifiers: MedGen C4225309, MONDO:0014661, OMIM 616487.
Epidermolysis bullosa simplex, Ogna type (EBS5A). Also called: Pidermolysis bullosa simplex 5A, Ogna type; EPIDERMOLYSIS BULLOSA SIMPLEX 5A, OGNA TYPE. Identifiers: Orphanet 79401, MedGen C0432317, MONDO:0007555, OMIM 131950.
Junctional epidermolysis bullosa with pyloric atresia. Also called: APLASIA CUTIS CONGENITA WITH GASTROINTESTINAL ATRESIA; CARMI SYNDROME; EB-PA-ACC; ITGB4-Related Epidermolysis Bullosa with Pyloric Atresia; EPIDERMOLYSIS BULLOSA, JUNCTIONAL 5B, WITH PYLORIC ATRESIA; Epidermolysis bullosa, junctional, with pyloric atresia and aplasia cutis congenita. Identifiers: Orphanet 79403, MedGen C5676875, MONDO:0009183, OMIM 226730.
Autosomal recessive limb-girdle muscular dystrophy type 2Q (LGMDR17). Also called: MUSCULAR DYSTROPHY, LIMB-GIRDLE, AUTOSOMAL RECESSIVE 17. Identifiers: Orphanet 254361, MedGen C3150989, MONDO:0013390, OMIM 613723.
Epidermolysis bullosa simplex 5B, with muscular dystrophy (EBS5B). Also called: EPIDERMOLYSIS BULLOSA SIMPLEX AND LIMB-GIRDLE MUSCULAR DYSTROPHY; Epidermolysis bullosa simplex with muscular dystrophy. Identifiers: Orphanet 257, MedGen C2931072, MONDO:0009181, OMIM 226670.
Epidermolysis bullosa simplex 5C, with pyloric atresia (EBS5C). Also called: Epidermolysis bullosa simplex with pyloric atresia; PLEC-Related Epidermolysis Bullosa with Pyloric Atresia; PLEC1-Related Epidermolysis Bullosa with Pyloric Atresia. Identifiers: Orphanet 158684, MedGen C2677349, MONDO:0012807, OMIM 612138.

Submissions (3):

Labcorp Genetics (formerly Invitae), Labcorp
Classification: Uncertain significance for Autosomal recessive limb-girdle muscular dystrophy type 2Q; Epidermolysis bullosa simplex, Ogna type; Epidermolysis bullosa simplex with nail dystrophy; Epidermolysis bullosa simplex 5C, with pyloric atresia; Epidermolysis bullosa simplex 5B, with muscular dystrophy. Last evaluated: 2025-05-07. Review status: criteria provided, single submitter. Criteria: Invitae Variant Classification Sherloc (09022015). Collection method: clinical testing. Allele origin: germline.
Comment: This sequence change replaces leucine, which is neutral and non-polar, with proline, which is neutral and non-polar, at codon 4316 of the PLEC protein (p.Leu4316Pro). This variant is present in population databases (no rsID available, gnomAD 0.004%). This variant has not been reported in the literature in individuals affected with PLEC-related conditions. Invitae Evidence Modeling of protein sequence and biophysical properties (such as structural, functional, and spatial information, amino acid conservation, physicochemical variation, residue mobility, and thermodynamic stability) indicates that this missense variant is not expected to disrupt PLEC protein function with a negative predictive value of 80%. In summary, the available evidence is currently insufficient to determine the role of this variant in disease. Therefore, it has been classified as a Variant of Uncertain Significance.

Blueprint Genetics
Classification: Uncertain significance. Last evaluated: 2024-05-23. Review status: criteria provided, single submitter. Criteria: ACMG Guidelines, 2015. Collection method: clinical testing. Allele origin: germline.

Department of Pathology and Laboratory Medicine, Sinai Health System
Classification: Uncertain significance for Epidermolysis bullosa simplex, Ogna type; Epidermolysis bullosa simplex 5B, with muscular dystrophy; Junctional epidermolysis bullosa with pyloric atresia; Epidermolysis bullosa simplex 5C, with pyloric atresia; Autosomal recessive limb-girdle muscular dystrophy type 2Q; Epidermolysis bullosa simplex with nail dystrophy. Last evaluated: 2022-01-10. Review status: criteria provided, single submitter. Criteria: ACMG Guidelines, 2015. Collection method: research. Allele origin: germline.

NM_201384.3(PLEC):c.12866T>C (p.Leu4289Pro)

Gene: PLEC (plectin; minus strand). Cytogenetic location: 8q24.3.
Variant type: single nucleotide variant.
Coding change: c.12866T>C on transcript NM_201384.3 (MANE Select); coding-DNA position 12866, T replaced by C.
Protein change: p.Leu4289Pro; replaces leucine 4289 with proline.
Molecular consequence: missense variant.
Genome position (GRCh38, 1-based): chr8:143,916,955, A>G on the plus strand (T>C on the coding strand, the complement: PLEC is on the minus strand). VCF-style: chr8-143916955-A-G. GRCh37 (hg19) VCF-style: chr8-144991123-A-G.
Other names: c.12947T>C, p.Leu4316Pro (NM_000445.5); c.9566T>C, p.Leu3189Pro (NM_001410941.1); c.12824T>C, p.Leu4275Pro (NM_201378.4); c.12800T>C, p.Leu4267Pro (NM_201379.3); c.13277T>C, p.Leu4426Pro (NM_201380.4); c.12770T>C, p.Leu4257Pro (NM_201381.3); c.12866T>C, p.Leu4289Pro (NM_201382.4); c.12878T>C, p.Leu4293Pro (NM_201383.3); short protein forms L4426P, L4257P, L4267P, L4316P, L3189P, L4275P, L4293P, L4289P.
Identifiers: ClinVar variation 3892109 (VCV003892109.3).
Genomic context (GRCh38, chr8:143,916,955, plus strand): 5'-TGCCCCGTGATGTTATCCACCAGGTTCCGGTGCATGGCCTCGGTGATGGACACCTTCTCC[A>G]GCGTCTCCGTGTCCAGGATGCCAGCCACGGGGCCCGTCTCCTCAGTGGGGTCTGACCAGG-3'
Protein context (NP_958786.1, residues 4279-4299): PVAGILDTET[Leu4289Pro]EKVSITEAMH